The following is an entry in ClinVar:

NM_001382391.1(CSPP1):c.2305GAA[1] (p.Glu770del)

Gene: CSPP1 (centrosome and spindle pole associated protein 1; plus strand). Cytogenetic location: 8q13.2.
Variant type: Microsatellite.
Coding change: c.2305GAA[1] on transcript NM_001382391.1 (MANE Select); one copy of the 3-base unit GAA starting at c.2305; the reference has two copies in a row; one copy, 3 bases deleted.
Protein change: p.Glu770del; deletes glutamic acid 770.
Molecular consequence: inframe deletion. On other transcripts: inframe indel (1).
Genome position (GRCh38, 1-based): chr8:67,158,513-67,158,515, GAA deleted; deleting any 3 consecutive bases within chr8:67,158,508-67,158,515 gives the same sequence; the position shown is the placement nearest the transcript's 3' end. VCF-style (leftmost placement, unchanged base first): chr8-67158507-AAAG-A. GRCh37 (hg19) VCF-style: chr8-68070742-AAAG-A.
Other names: c.1255GAA[1], p.Glu420del (NM_001291339.2); c.2224GAA[1], p.Glu743del (NM_001363131.2); c.2110GAA[1], p.Glu705del (NM_001363132.2); c.2029GAA[1], p.Glu678del (NM_001363133.2); c.2371GAA[1], p.Glu792del (NM_001364869.1); c.2191GAA[1], p.Glu732del (NM_001364870.1); c.2290_2292GAA[1], p.Glu765del (NM_024790.7); short protein forms E705del, E678del, E732del, E765del, E420del, E792del, E743del, E770del.
Identifiers: ClinVar variation 1371389 (VCV001371389.6), dbSNP rs2129560139, ClinGen allele CA2580617171.

ClinVar aggregate classification (germline): Uncertain significance (1 of 4 stars; one submission).

Conditions:
Joubert syndrome 21 (JBTS21). Identifiers: MedGen C3810212, MONDO:0014288, OMIM 615636.

Submission:

Labcorp Genetics (formerly Invitae), Labcorp
Classification: Uncertain significance for Joubert syndrome 21. Last evaluated: 2022-07-26. Review status: criteria provided, single submitter. Criteria: Invitae Variant Classification Sherloc (09022015). Collection method: clinical testing. Allele origin: germline.
Comment: This variant, c.2293_2295del, results in the deletion of 1 amino acid(s) of the CSPP1 protein (p.Glu765del), but otherwise preserves the integrity of the reading frame. This variant is not present in population databases (gnomAD no frequency). This variant has not been reported in the literature in individuals affected with CSPP1-related conditions. Experimental studies and prediction algorithms are not available or were not evaluated, and the functional significance of this variant is currently unknown. In summary, the available evidence is currently insufficient to determine the role of this variant in disease. Therefore, it has been classified as a Variant of Uncertain Significance.